The following is an entry in ClinVar:

NM_001242896.3(DEPDC5):c.2558G>C (p.Trp853Ser)

Gene: DEPDC5 (DEP domain containing 5, GATOR1 subcomplex subunit; plus strand). Cytogenetic location: 22q12.3.
Variant type: single nucleotide variant.
Coding change: c.2558G>C on transcript NM_001242896.3 (MANE Select); coding-DNA position 2558, G replaced by C.
Protein change: p.Trp853Ser; replaces tryptophan 853 with serine.
Molecular consequence: missense variant. On other transcripts: non-coding transcript variant (5).
Genome position (GRCh38, 1-based): chr22:31,843,137, G>C. VCF-style: chr22-31843137-G-C. GRCh37 (hg19) VCF-style: chr22-32239123-G-C.
Other names: c.2531G>C, p.Trp844Ser (NM_001136029.4, NM_001369903.1, NM_014662.6); c.2324G>C, p.Trp775Ser (NM_001242897.2, NM_001363854.2, NM_001364319.2); c.2558G>C, p.Trp853Ser (NM_001363852.2, NM_001364318.2, NM_001364320.2); c.2474G>C, p.Trp825Ser (NM_001369901.1, NM_001369902.1); c.2558G>C (NM_001242896.1); short protein forms W775S, W844S, W853S, W825S.
Identifiers: ClinVar variation 2746853 (VCV002746853.4), dbSNP rs2520088390, ClinGen allele CA411288535.
Genomic context (GRCh38, chr22:31,843,137, plus strand): 5'-TTATTATTTTTCTGTTAGGCCTTGTGTCCCGAAACCGCCCTGAGGAGGAGGACCAGTATT[G>C]GCTGAGTATGGGCAGAACGTTCCACAAAGTGACGCTGAAGGATAAGATGATCACAGTGAC-3'
Protein context (NP_001229825.1, residues 843-863): RNRPEEEDQY[Trp853Ser]LSMGRTFHKV

ClinVar aggregate classification (germline): Uncertain significance. Review status: criteria provided, multiple submitters, no conflicts (2 of 4 stars). 2 submissions from 2 submitters: Uncertain significance (2). Last evaluated 2024-04-22.

Conditions:
Familial focal epilepsy with variable foci (FPEVF). Identifiers: Orphanet 98820, MedGen C1858477, MONDO:0020310.

Submissions (2):

GeneDx
Classification: Uncertain significance. Last evaluated: 2024-04-22. Review status: criteria provided, single submitter. Criteria: GeneDx Variant Classification Process June 2021. Collection method: clinical testing. Allele origin: germline. Affected: yes.
Comment: Not observed at significant frequency in large population cohorts (gnomAD); In silico analysis supports that this missense variant has a deleterious effect on protein structure/function; Has not been previously published as pathogenic or benign to our knowledge

Labcorp Genetics (formerly Invitae), Labcorp
Classification: Uncertain significance for Familial focal epilepsy with variable foci. Last evaluated: 2023-11-27. Review status: criteria provided, single submitter. Criteria: Invitae Variant Classification Sherloc (09022015). Collection method: clinical testing. Allele origin: germline.
Comment: This sequence change replaces tryptophan, which is neutral and slightly polar, with serine, which is neutral and polar, at codon 853 of the DEPDC5 protein (p.Trp853Ser). This variant is not present in population databases (gnomAD no frequency). This variant has not been reported in the literature in individuals affected with DEPDC5-related conditions. Experimental studies and prediction algorithms are not available or were not evaluated, and the functional significance of this variant is currently unknown. In summary, the available evidence is currently insufficient to determine the role of this variant in disease. Therefore, it has been classified as a Variant of Uncertain Significance.